The following is an entry in ClinVar:

ClinVar aggregate classification (germline): Uncertain significance. Review status: criteria provided, multiple submitters, no conflicts (2 of 4 stars). 2 submissions from 2 submitters: Uncertain significance (2). Last evaluated 2023-01-25.

Conditions:
Ehlers-Danlos syndrome, kyphoscoliotic type, 2. Also called: Ehlers-Danlos syndrome with progressive kyphoscoliosis, myopathy, and hearing loss; Ehlers-Danlos syndrome, kyphoscoliotic and deafness type; FKBP14-Kyphoscoliotic Ehlers-Danlos Syndrome. Identifiers: Orphanet 300179, MedGen C3281160, MONDO:0013800, OMIM 614557.
Cardiovascular phenotype. Identifiers: MedGen CN230736.

Allele frequency attached by ClinVar (database versions not stated): gnomAD exomes below 0.00001; gnomAD 0.00001; TOPMed 0.00002.
gnomAD v4.1: 3 of 1,602,052 alleles (0.00019%); highest among the groups gnomAD compares: Non-Finnish European, 0.00026%; no homozygotes.

Submissions (2):

Ambry Genetics
Classification: Uncertain significance for Cardiovascular phenotype. Last evaluated: 2023-01-25. Review status: criteria provided, single submitter. Criteria: Ambry Variant Classification Scheme 2023. Collection method: clinical testing. Allele origin: germline.
Comment: The p.K207Q variant (also known as c.619A>C), located in coding exon 4 of the FKBP14 gene, results from an A to C substitution at nucleotide position 619. The lysine at codon 207 is replaced by glutamine, an amino acid with similar properties. This amino acid position is conserved. In addition, this alteration is predicted to be tolerated by in silico analysis. Since supporting evidence is limited at this time, the clinical significance of this alteration remains unclear.

Labcorp Genetics (formerly Invitae), Labcorp
Classification: Uncertain significance for Ehlers-Danlos syndrome, kyphoscoliotic type, 2. Last evaluated: 2022-07-17. Review status: criteria provided, single submitter. Criteria: Invitae Variant Classification Sherloc (09022015). Collection method: clinical testing. Allele origin: germline.
Comment: This sequence change replaces lysine, which is basic and polar, with glutamine, which is neutral and polar, at codon 207 of the FKBP14 protein (p.Lys207Gln). This variant is not present in population databases (gnomAD no frequency). This variant has not been reported in the literature in individuals affected with FKBP14-related conditions. ClinVar contains an entry for this variant (Variation ID: 947926). Algorithms developed to predict the effect of missense changes on protein structure and function output the following: SIFT: "Tolerated"; PolyPhen-2: "Benign"; Align-GVGD: "Class C0". The glutamine amino acid residue is found in multiple mammalian species, which suggests that this missense change does not adversely affect protein function. In summary, the available evidence is currently insufficient to determine the role of this variant in disease. Therefore, it has been classified as a Variant of Uncertain Significance.

NM_017946.4(FKBP14):c.619A>C (p.Lys207Gln)

Genes: FKBP14 (FKBP prolyl isomerase 14; minus strand), FKBP14-AS1 (FKBP14 antisense RNA 1; plus strand). Cytogenetic location: 7p14.3.
Variant type: single nucleotide variant.
Coding change: c.619A>C on transcript NM_017946.4 (MANE Select); coding-DNA position 619, A replaced by C.
Protein change: p.Lys207Gln; replaces lysine 207 with glutamine.
Molecular consequence: missense variant. On other transcripts: non-coding transcript variant (2).
Genome position (GRCh38, 1-based): chr7:30,014,752, T>G on the plus strand (A>C on the coding strand, the complement: FKBP14 is on the minus strand). VCF-style: chr7-30014752-T-G. GRCh37 (hg19) VCF-style: chr7-30054368-T-G.
Other names: c.619A>C (NM_017946.2); short protein forms K207Q.
Identifiers: ClinVar variation 947926 (VCV000947926.8), dbSNP rs1281054139, ClinGen allele CA367116149.